The following is an entry in ClinVar:

NM_016180.5(SLC45A2):c.118A>G (p.Met40Val)

Gene: SLC45A2 (solute carrier family 45 member 2; minus strand). Cytogenetic location: 5p13.2.
Variant type: single nucleotide variant.
Coding change: c.118A>G on transcript NM_016180.5 (MANE Select); coding-DNA position 118, A replaced by G.
Protein change: p.Met40Val; replaces methionine 40 with valine.
Molecular consequence: missense variant.
Genome position (GRCh38, 1-based): chr5:33,984,466, T>C on the plus strand (A>G on the coding strand, the complement: SLC45A2 is on the minus strand). VCF-style: chr5-33984466-T-C. GRCh37 (hg19) VCF-style: chr5-33984571-T-C.
Other names: c.118A>G, p.Met40Val (NM_001012509.4, NM_001297417.4); short protein forms M40V.
Identifiers: ClinVar variation 1486258 (VCV001486258.6), dbSNP rs531528393, ClinGen allele CA3225876.

ClinVar aggregate classification (germline): Uncertain significance. Review status: criteria provided, multiple submitters, no conflicts (2 of 4 stars). 2 submissions from 2 submitters: Uncertain significance (2). Last evaluated 2023-12-27.

Allele frequency attached by ClinVar (database versions not stated): gnomAD 0.00001; gnomAD exomes 0.00007 and 0.00003; 1000 Genomes Project 30x 0.00016; 1000 Genomes Project 0.00020; TOPMed below 0.00001; ExAC 0.00007.
gnomAD v4.1: 55 of 1,613,756 alleles (0.0034%); highest among the groups gnomAD compares: South Asian, 0.054%; no homozygotes.

Submissions (2):

Blueprint Genetics
Classification: Uncertain significance. Last evaluated: 2023-12-27. Review status: criteria provided, single submitter. Criteria: ACMG Guidelines, 2015. Collection method: clinical testing. Allele origin: germline.

Labcorp Genetics (formerly Invitae), Labcorp
Classification: Uncertain significance. Last evaluated: 2021-08-28. Review status: criteria provided, single submitter. Criteria: Invitae Variant Classification Sherloc (09022015). Collection method: clinical testing. Allele origin: germline.
Comment: This sequence change replaces methionine with valine at codon 40 of the SLC45A2 protein (p.Met40Val). The methionine residue is moderately conserved and there is a small physicochemical difference between methionine and valine. This variant is present in population databases (rs531528393, ExAC 0.05%). This variant has not been reported in the literature in individuals affected with SLC45A2-related conditions. Algorithms developed to predict the effect of missense changes on protein structure and function (SIFT, PolyPhen-2, Align-GVGD) all suggest that this variant is likely to be tolerated. In summary, the available evidence is currently insufficient to determine the role of this variant in disease. Therefore, it has been classified as a Variant of Uncertain Significance.